The following is an entry in ClinVar:

NM_001378454.1(ALMS1):c.11006A>G (p.Gln3669Arg)

Gene: ALMS1 (ALMS1 centrosome and basal body associated protein; plus strand). Cytogenetic location: 2p13.1.
Variant type: single nucleotide variant.
Coding change: c.11006A>G on transcript NM_001378454.1 (MANE Select); coding-DNA position 11006, A replaced by G.
Protein change: p.Gln3669Arg; replaces glutamine 3669 with arginine.
Molecular consequence: missense variant.
Genome position (GRCh38, 1-based): chr2:73,572,883, A>G. VCF-style: chr2-73572883-A-G. GRCh37 (hg19) VCF-style: chr2-73800010-A-G.
Other names: c.11009A>G, p.Gln3670Arg (NM_015120.4); short protein forms Q3670R, Q3669R.
Identifiers: ClinVar variation 657449 (VCV000657449.5), dbSNP rs773767346, ClinGen allele CA1715103.

ClinVar aggregate classification (germline): Uncertain significance (1 of 4 stars; one submission).

Conditions:
Alstrom syndrome (ALMS). Identifiers: Orphanet 64, MedGen C0268425, MONDO:0008763, OMIM 203800.

Allele frequency attached by ClinVar (database versions not stated): TOPMed below 0.00001; ExAC 0.00001; gnomAD exomes below 0.00001.

Submission:

Labcorp Genetics (formerly Invitae), Labcorp
Classification: Uncertain significance for Alstrom syndrome. Last evaluated: 2018-11-02. Review status: criteria provided, single submitter. Criteria: Invitae Variant Classification Sherloc (09022015). Collection method: clinical testing. Allele origin: germline.
Comment: This variant has not been reported in the literature in individuals with ALMS1-related disease. In summary, the available evidence is currently insufficient to determine the role of this variant in disease. Therefore, it has been classified as a Variant of Uncertain Significance. Algorithms developed to predict the effect of missense changes on protein structure and function (SIFT, PolyPhen-2, Align-GVGD) all suggest that this variant is likely to be tolerated, but these predictions have not been confirmed by published functional studies and their clinical significance is uncertain. This variant is present in population databases (rs773767346, ExAC 0.002%). This sequence change replaces glutamine with arginine at codon 3670 of the ALMS1 protein (p.Gln3670Arg). The glutamine residue is moderately conserved and there is a small physicochemical difference between glutamine and arginine.